The following is an entry in ClinVar:

ClinVar aggregate classification (germline): Benign. Review status: criteria provided, single submitter (1 of 4 stars). 2 submissions from 2 submitters: Benign (1). 1 of the submissions does not count toward it. Last evaluated 2018-08-08.

Conditions:
EPHA3-related disorder. Also called: EPHA3-related condition.

Allele frequency attached by ClinVar (database versions not stated): 1000 Genomes Project 0.00080; ExAC 0.00156; gnomAD exomes 0.00183; gnomAD 0.00261; TOPMed 0.00017; ESP Exome Variant Server 0.00038; 1000 Genomes Project 30x 0.00062.
gnomAD v4.1: 1,427 of 1,609,022 alleles (0.089%); highest among the groups gnomAD compares: Admixed American, 0.037%; 11 homozygotes.

Submissions (2):

Labcorp Genetics (formerly Invitae), Labcorp
Classification: Benign. Last evaluated: 2018-08-08. Review status: criteria provided, single submitter. Criteria: Invitae Variant Classification Sherloc (09022015). Collection method: clinical testing. Allele origin: germline.

PreventionGenetics, part of Exact Sciences
Classification: Benign for EPHA3-related condition. Last evaluated: 2019-05-28. Review status: no assertion criteria provided. Collection method: clinical testing. Allele origin: germline. Not counted in ClinVar's aggregate classification.
Comment: This variant is classified as benign based on ACMG/AMP sequence variant interpretation guidelines (Richards et al. 2015 PMID: 25741868, with internal and published modifications).

NM_005233.6(EPHA3):c.744C>T (p.Gly248=)

Gene: EPHA3 (EPH receptor A3; plus strand). Cytogenetic location: 3p11.1.
Variant type: single nucleotide variant.
Coding change: c.744C>T on transcript NM_005233.6 (MANE Select); coding-DNA position 744, C replaced by T.
Protein change: p.Gly248=; no amino-acid change (glycine 248 retained).
Molecular consequence: synonymous variant.
Genome position (GRCh38, 1-based): chr3:89,210,450, C>T. VCF-style: chr3-89210450-C-T. GRCh37 (hg19) VCF-style: chr3-89259600-C-T.
Other names: c.744C>T, p.Gly248= (NM_182644.3).
Identifiers: ClinVar variation 740302 (VCV000740302.5), dbSNP rs150099876, ClinGen allele CA2502336.